The following is an entry in ClinVar:

NM_002016.2(FLG):c.8487T>A (p.Arg2829=)

Genes: CCDST (cervical cancer associated DHX9 suppressive transcript; plus strand), FLG (filaggrin; minus strand). Cytogenetic location: 1q21.3.
Variant type: single nucleotide variant.
Coding change: c.8487T>A on transcript NM_002016.2 (MANE Select); coding-DNA position 8487, T replaced by A.
Protein change: p.Arg2829=; no amino-acid change (arginine 2829 retained).
Molecular consequence: synonymous variant.
Genome position (GRCh38, 1-based): chr1:152,306,399, A>T on the plus strand (T>A on the coding strand, the complement: FLG is on the minus strand). VCF-style: chr1-152306399-A-T. GRCh37 (hg19) VCF-style: chr1-152278875-A-T.
Identifiers: ClinVar variation 3772207 (VCV003772207.13).
Genomic context (GRCh38, chr1:152,306,399, plus strand): 5'-GTCTCCTGATTGTTCCTCATTACGTGTTGTTCTGCTTGCACTTCTGGATCCTGACTGCCC[A>T]CGGGAGGCATCAGACCTTCCCTGGGATGTGGTGTGGCTGTGATGGGACCCTGAGTGTCCA-3'
Protein context (NP_002007.1, residues 2819-2839): TTSQGRSDAS[Arg2829=]GQSGSRSASR

ClinVar aggregate classification (germline): Likely benign (1 of 4 stars; one submission).

Submission:

CeGaT Center for Human Genetics Tuebingen
Classification: Likely benign. Last evaluated: 2025-01-01. Review status: criteria provided, single submitter. Criteria: CeGaT Center For Human Genetics Tuebingen Variant Classification Criteria Version 2. Collection method: clinical testing. Allele origin: germline. Affected: yes. Observed: 1 variant allele.
Comment: FLG: PM2:Supporting, BP4, BP7